The following is an entry in ClinVar:

ClinVar aggregate classification (germline): Uncertain significance (1 of 4 stars; one submission).

Conditions:
Alstrom syndrome (ALMS). Identifiers: Orphanet 64, MedGen C0268425, MONDO:0008763, OMIM 203800.

Allele frequency attached by ClinVar (database versions not stated): gnomAD exomes below 0.00001.
gnomAD v4.1: 1 of 1,610,576 alleles (0.000062%); highest among the groups gnomAD compares: East Asian, 0.0022%; no homozygotes.

Submission:

Labcorp Genetics (formerly Invitae), Labcorp
Classification: Uncertain significance for Alstrom syndrome. Last evaluated: 2021-05-02. Review status: criteria provided, single submitter. Criteria: Invitae Variant Classification Sherloc (09022015). Collection method: clinical testing. Allele origin: germline.
Comment: This sequence change replaces serine with asparagine at codon 3505 of the ALMS1 protein (p.Ser3505Asn). The serine residue is moderately conserved and there is a small physicochemical difference between serine and asparagine. This variant is not present in population databases (ExAC no frequency). This variant has not been reported in the literature in individuals with ALMS1-related conditions. Experimental studies and prediction algorithms are not available or were not evaluated, and the functional significance of this variant is currently unknown. In summary, the available evidence is currently insufficient to determine the role of this variant in disease. Therefore, it has been classified as a Variant of Uncertain Significance.

NM_001378454.1(ALMS1):c.10511G>A (p.Ser3504Asn)

Gene: ALMS1 (ALMS1 centrosome and basal body associated protein; plus strand). Cytogenetic location: 2p13.1.
Variant type: single nucleotide variant.
Coding change: c.10511G>A on transcript NM_001378454.1 (MANE Select); coding-DNA position 10511, G replaced by A.
Protein change: p.Ser3504Asn; replaces serine 3504 with asparagine.
Molecular consequence: missense variant.
Genome position (GRCh38, 1-based): chr2:73,572,388, G>A. VCF-style: chr2-73572388-G-A. GRCh37 (hg19) VCF-style: chr2-73799515-G-A.
Other names: c.10514G>A, p.Ser3505Asn (NM_015120.4); short protein forms S3504N, S3505N.
Identifiers: ClinVar variation 1415395 (VCV001415395.3), dbSNP rs1558699257, ClinGen allele CA347283306.